The following is an entry in ClinVar:

NM_001267550.2(TTN):c.58936del (p.Glu19646fs)

Genes: TTN (titin; minus strand), TTN-AS1 (TTN antisense RNA 1; plus strand). Cytogenetic location: 2q31.2.
Variant type: Deletion.
Coding change: c.58936del on transcript NM_001267550.2 (MANE Select); coding-DNA position 58936, one base deleted (G; older notation c.58936delG).
Protein change: p.Glu19646fs; shifts the reading frame from glutamic acid 19646.
Molecular consequence: frameshift variant.
Genome position (GRCh38, 1-based): chr2:178,593,272, C deleted on the plus strand (G on the coding strand, the reverse complement: TTN is on the minus strand). VCF-style (leftmost placement, unchanged base first): chr2-178593271-TC-T. GRCh37 (hg19) VCF-style: chr2-179457998-TC-T.
Other names: c.54013del, p.Glu18005fs (NM_001256850.1); c.31741del, p.Glu10581fs (NM_003319.4); c.51232del, p.Glu17078fs (NM_133378.4); c.32116del, p.Glu10706fs (NM_133432.3); c.32317del, p.Glu10773fs (NM_133437.4); short protein forms E10581fs, E10706fs, E10773fs, E17078fs, E18005fs, E19646fs.
Identifiers: ClinVar variation 3757388 (VCV003757388.2).

ClinVar aggregate classification (germline): Likely pathogenic (1 of 4 stars; one submission).

Conditions:
Dilated cardiomyopathy 1G (CMD1G). Identifiers: Orphanet 154, MedGen C1858763, MONDO:0011400, OMIM 604145.
Autosomal recessive limb-girdle muscular dystrophy type 2J (LGMDR10). Also called: Limb-girdle muscular dystrophy, type 2J; MUSCULAR DYSTROPHY, LIMB-GIRDLE, AUTOSOMAL RECESSIVE 10. Identifiers: Orphanet 140922, MedGen C1837342, MONDO:0012127, OMIM 608807.

Submission:

Labcorp Genetics (formerly Invitae), Labcorp
Classification: Likely pathogenic for Dilated cardiomyopathy 1G; Autosomal recessive limb-girdle muscular dystrophy type 2J. Last evaluated: 2024-07-24. Review status: criteria provided, single submitter. Criteria: Invitae Variant Classification Sherloc (09022015). Collection method: clinical testing. Allele origin: germline.
Comment: This sequence change creates a premature translational stop signal (p.Glu19646Lysfs*45) in the TTN gene. While this is not anticipated to result in nonsense mediated decay, it is expected to create a truncated TTN protein. This variant is not present in population databases (gnomAD no frequency). This variant has not been reported in the literature in individuals affected with TTN-related conditions. This variant is located in the A band of TTN (PMID: 25589632). Truncating variants in this region are significantly overrepresented in patients affected with dilated cardiomyopathy (PMID: 25589632). Truncating variants in this region have also been reported in individuals affected with autosomal recessive centronuclear myopathy (PMID: 23975875). In summary, the currently available evidence indicates that the variant is pathogenic, but additional data are needed to prove that conclusively. Therefore, this variant has been classified as Likely Pathogenic.

Literature cited by the submitters: PubMed 25589632; PubMed 23975875.